The following is an entry in ClinVar:

ClinVar aggregate classification (germline): Pathogenic/Likely pathogenic. Review status: criteria provided, multiple submitters, no conflicts (2 of 4 stars). 2 submissions from 2 submitters: Pathogenic (1); Likely pathogenic (1). Last evaluated 2017-11-24.

Conditions:
Hereditary cancer-predisposing syndrome. Also called: Neoplastic Syndromes, Hereditary; Hereditary Cancer Syndrome; Hereditary neoplastic syndrome; Tumor predisposition. Identifiers: Orphanet 140162, MedGen C0027672, MeSH D009386, MONDO:0015356.

Submissions (2):

Quest Diagnostics Nichols Institute San Juan Capistrano
Classification: Likely pathogenic. Last evaluated: 2017-11-24. Review status: criteria provided, single submitter. Criteria: Quest Diagnostics criteria. Collection method: clinical testing. Allele origin: germline.

Ambry Genetics
Classification: Pathogenic for Hereditary cancer-predisposing syndrome. Last evaluated: 2017-01-30. Review status: criteria provided, single submitter. Criteria: Ambry Variant Classification Scheme 2023. Collection method: clinical testing. Allele origin: germline.
Comment: The c.4862_4871del10 pathogenic mutation, located in coding exon 14 of the BRCA1 gene, results from a deletion of 10 nucleotides at nucleotide positions 4862 to 4871, causing a translational frameshift with a predicted alternate stop codon (p.D1621Gfs*9). This alteration is expected to result in loss of function by premature protein truncation or nonsense-mediated mRNA decay. As such, this alteration is interpreted as a disease-causing mutation.

NM_007294.4(BRCA1):c.4862_4871del (p.Asp1621fs)

Gene: BRCA1 (BRCA1 DNA repair associated; minus strand). Cytogenetic location: 17q21.31.
Variant type: Deletion.
Coding change: c.4862_4871del on transcript NM_007294.4 (MANE Select); coding-DNA positions 4862 to 4871, 10 bases deleted (ATACTGCTGG; older notation c.4862_4871delATACTGCTGG).
Protein change: p.Asp1621fs; shifts the reading frame from aspartic acid 1621.
Molecular consequence: frameshift variant. On other transcripts: non-coding transcript variant (1).
Genome position (GRCh38, 1-based): chr17:43,071,043-43,071,052, CCAGCAGTAT deleted on the plus strand (ATACTGCTGG on the coding strand, the reverse complement: BRCA1 is on the minus strand); deleting any 10 consecutive bases within chr17:43,071,043-43,071,053 gives the same sequence; the c. name uses the placement nearest the transcript's 3' end. VCF-style (leftmost placement, unchanged base first): chr17-43071042-CCCAGCAGTAT-C. GRCh37 (hg19) VCF-style: chr17-41223059-CCCAGCAGTAT-C.
Other names: c.4717_4726delGATACTGCTG, p.Asp1573Glyfs (NM_001407746.1, NM_001407747.1, NM_001407749.1 and 21 more transcripts); c.1429_1438delGATACTGCTG, p.Asp477Glyfs (NM_001408425.1, NM_001408430.1, NM_001408428.1 and 4 more transcripts); c.4714_4723delGATACTGCTG, p.Asp1572Glyfs (NM_001407839.1, NM_001407838.1, NM_001407841.1 and 12 more transcripts); c.4862_4871del10 (NM_007294.3); c.1342_1351delGATACTGCTG, p.Asp448Glyfs (NM_001408480.1, NM_001408478.1, NM_001408479.1); c.4648_4657delGATACTGCTG, p.Asp1550Glyfs (NM_001407571.1, NM_001407894.1, NM_001407895.1 and 12 more transcripts); c.1339_1348delGATACTGCTG, p.Asp447Glyfs (NM_001408481.1, NM_001408482.1, NM_001408483.1 and 5 more transcripts); c.4927_4936delGATACTGCTG, p.Asp1643Glyfs (NM_001407581.1, NM_001407582.1); and 74 more; short protein forms D1621fs, D517fs, D1642fs, D1574fs.
Identifiers: ClinVar variation 479248 (VCV000479248.7), dbSNP rs1555580773, ClinGen allele CA658656618.